The following is an entry in ClinVar:

ClinVar aggregate classification (germline): Uncertain significance (1 of 4 stars; one submission).

gnomAD v4.1: 2 of 1,611,724 alleles (0.00012%); highest among the groups gnomAD compares: East Asian, 0.0022%; no homozygotes.

Submission:

Ambry Genetics
Classification: Uncertain significance. Last evaluated: 2026-03-21. Review status: criteria provided, single submitter. Criteria: Ambry Variant Classification Scheme 2023. Collection method: clinical testing. Allele origin: germline.
Comment: The p.P1539S variant (also known as c.4615C>T), located in coding exon 19 of the WNK2 gene, results from a C to T substitution at nucleotide position 4615. The proline at codon 1539 is replaced by serine, an amino acid with similar properties. This amino acid position is conserved. In addition, this alteration is predicted to be tolerated by in silico analysis. Based on the available evidence, the clinical significance of this variant remains unclear.

NM_006648.4(WNK2):c.4615C>T (p.Pro1539Ser)

Gene: WNK2 (WNK lysine deficient protein kinase 2; plus strand). Cytogenetic location: 9q22.31.
Variant type: single nucleotide variant.
Coding change: c.4615C>T on transcript NM_006648.4 (MANE Select); coding-DNA position 4615, C replaced by T.
Protein change: p.Pro1539Ser; replaces proline 1539 with serine.
Molecular consequence: missense variant.
Genome position (GRCh38, 1-based): chr9:93,289,369, C>T. VCF-style: chr9-93289369-C-T. GRCh37 (hg19) VCF-style: chr9-96051651-C-T.
Other names: c.4726C>T, p.Pro1576Ser (NM_001282394.3); short protein forms P1539S, P1576S.
Identifiers: ClinVar variation 3982232 (VCV003982232.2).